The following is an entry in ClinVar:

NM_014727.3(KMT2B):c.4270A>G (p.Lys1424Glu)

Gene: KMT2B (lysine methyltransferase 2B; plus strand). Cytogenetic location: 19q13.12.
Variant type: single nucleotide variant.
Coding change: c.4270A>G on transcript NM_014727.3 (MANE Select); coding-DNA position 4270, A replaced by G.
Protein change: p.Lys1424Glu; replaces lysine 1424 with glutamic acid.
Molecular consequence: missense variant.
Genome position (GRCh38, 1-based): chr19:35,727,590, A>G. VCF-style: chr19-35727590-A-G. GRCh37 (hg19) VCF-style: chr19-36218491-A-G.
Other names: short protein forms K1424E.
Identifiers: ClinVar variation 4538117 (VCV004538117.1).

ClinVar aggregate classification (germline): Uncertain significance (1 of 4 stars; one submission).

gnomAD v4.1: 1 of 1,606,308 alleles (0.000062%); highest among the groups gnomAD compares: Non-Finnish European, 0.000085%; no homozygotes.

Submission:

GeneDx
Classification: Uncertain significance. Last evaluated: 2025-06-09. Review status: criteria provided, single submitter. Criteria: GeneDx Variant Classification Process June 2021. Collection method: clinical testing. Allele origin: germline. Affected: yes.
Comment: Not observed at significant frequency in large population cohorts (gnomAD); In silico analysis suggests that this missense variant does not alter protein structure/function; Has not been previously published as pathogenic or benign to our knowledge